The following is an entry in ClinVar:

ClinVar aggregate classification (germline): Uncertain significance (1 of 4 stars; one submission).

Conditions:
Neurodevelopmental disorder with seizures and brain atrophy. Identifiers: MedGen C5436732, MONDO:0033658, OMIM 619072.

Allele frequency attached by ClinVar (database versions not stated): gnomAD exomes below 0.00001.

Submission:

Victorian Clinical Genetics Services, Murdoch Childrens Research Institute
Classification: Uncertain significance for Neurodevelopmental disorder with seizures and brain atrophy. Last evaluated: 2021-05-06. Review status: criteria provided, single submitter. Criteria: ACMG Guidelines, 2015. Collection method: clinical testing. Allele origin: germline. Inheritance: Autosomal recessive inheritance.
Comment: Based on the classification scheme VCGS_Germline_v1.3.4, this variant is classified as VUS-3A. Following criteria are met: 0102 - Loss of function is the most likely mechanism of disease in this gene and is associated with neurodevelopmental disorder with seizures and brain atrophy (MIM#619072). (I) 0106 - This gene is associated with autosomal recessive disease. (I) 0211 - Canonical splice site variant without proven consequence on splicing (no functional evidence available). (SP) 0251 - This variant is heterozygous. (I) 0301 - Variant is absent from gnomAD (both v2 and v3). (SP) 0505 - Abnormal splicing is predicted by in silico tools and affected nucleotide is highly conserved. (SP) 0705 - No comparable canonical splice variants have previous evidence for pathogenicity. (I) 0807 - This variant has no previous evidence of pathogenicity. (I) 0905 - No published segregation evidence has been identified for this variant. (I) 1007 - No published functional evidence has been identified for this variant. (I) Legend: (SP) - Supporting pathogenic, (I) - Information, (SB) - Supporting benign

NM_001013839.4(EXOC7):c.1776+1G>A

Gene: EXOC7 (exocyst complex component 7; minus strand). Cytogenetic location: 17q25.1.
Variant type: single nucleotide variant.
Coding change: c.1776+1G>A on transcript NM_001013839.4 (MANE Select); the canonical splice donor site of the intron after coding-DNA position 1776, G replaced by A.
Molecular consequence: splice donor variant.
Genome position (GRCh38, 1-based): chr17:76,084,516, C>T on the plus strand (G>A on the coding strand, the complement: EXOC7 is on the minus strand). VCF-style: chr17-76084516-C-T. GRCh37 (hg19) VCF-style: chr17-74080597-C-T.
Other names: c.1683+1G>A (NM_015219.5); c.1722+1G>A (NM_001375975.1); c.1752+1G>A (NM_001145298.4); c.1815+1G>A (NM_001375974.1); c.1845+1G>A (NM_001145299.4); c.1884+1G>A (NM_001375976.1); c.1929+1G>A (NM_001145297.4); c.1692+1G>A (NM_001282313.2).
Identifiers: ClinVar variation 1804960 (VCV001804960.1), dbSNP rs2067122592, ClinGen allele CA401118941.